The following is an entry in ClinVar:

NM_001370259.2(MEN1):c.1794C>T (p.Tyr598=)

Gene: MEN1 (menin 1; minus strand). Cytogenetic location: 11q13.1.
Variant type: single nucleotide variant.
Coding change: c.1794C>T on transcript NM_001370259.2 (MANE Select); coding-DNA position 1794, C replaced by T.
Protein change: p.Tyr598=; no amino-acid change (tyrosine 598 retained).
Molecular consequence: synonymous variant.
Genome position (GRCh38, 1-based): chr11:64,804,373, G>A on the plus strand (C>T on the coding strand, the complement: MEN1 is on the minus strand). VCF-style: chr11-64804373-G-A. GRCh37 (hg19) VCF-style: chr11-64571845-G-A.
Other names: c.1809C>T, p.Tyr603= (NM_000244.4, NM_130800.3, NM_130801.3 and 3 more transcripts); c.1920C>T, p.Tyr640= (NM_001370251.2); c.1794C>T, p.Tyr598= (NM_001370260.2, NM_001370261.2, NM_130799.3); c.1689C>T, p.Tyr563= (NM_001370262.2, NM_001370263.2); c.1794C>T (NM_130799.2).
Identifiers: ClinVar variation 1109078 (VCV001109078.11), dbSNP rs2136077605, ClinGen allele CA475162947.

ClinVar aggregate classification (germline): Benign/Likely benign. Review status: criteria provided, multiple submitters, no conflicts (2 of 4 stars). 3 submissions from 3 submitters: Benign (1); Likely benign (2). Last evaluated 2026-02-16.

Conditions:
Hereditary cancer-predisposing syndrome. Also called: Hereditary Cancer Syndrome; Neoplastic Syndromes, Hereditary; Tumor predisposition; Hereditary neoplastic syndrome. Identifiers: Orphanet 140162, MedGen C0027672, MeSH D009386, MONDO:0015356.
Multiple endocrine neoplasia, type 1 (MEN1). Also called: MEN I; WERMER SYNDROME; Endocrine adenomatosis multiple; MEN 1; MEA I. Identifiers: Orphanet 652, MedGen C0025267, MeSH D018761, MONDO:0007540, OMIM 131100.

Submissions (3):

Ambry Genetics
Classification: Likely benign for Hereditary cancer-predisposing syndrome. Last evaluated: 2026-02-16. Review status: criteria provided, single submitter. Criteria: Ambry Variant Classification Scheme 2023. Collection method: clinical testing. Allele origin: germline.

Labcorp Genetics (formerly Invitae), Labcorp
Classification: Likely benign for Multiple endocrine neoplasia, type 1. Last evaluated: 2025-06-16. Review status: criteria provided, single submitter. Criteria: Invitae Variant Classification Sherloc (09022015). Collection method: clinical testing. Allele origin: germline.

Myriad Genetics, Inc.
Classification: Benign for Multiple endocrine neoplasia, type 1. Last evaluated: 2024-11-05. Review status: criteria provided, single submitter. Criteria: Myriad Autosomal Dominant, Autosomal Recessive and X-Linked Classification Criteria (2023). Collection method: clinical testing. Allele origin: unknown.
Comment: This variant is considered benign. This variant is a silent/synonymous amino acid change and it is not expected to impact splicing.